The following is an entry in ClinVar:

ClinVar aggregate classification (germline): Conflicting classifications of pathogenicity. Review status: criteria provided, conflicting classifications (1 of 4 stars). 7 submissions from 7 submitters: Uncertain significance (5); Benign (1); Likely benign (1). Last evaluated 2026-01-06.

Conditions:
Hereditary breast ovarian cancer syndrome. Also called: Hereditary breast and ovarian cancer syndrome (HBOC); Breast and ovarian cancer; Hereditary breast and ovarian cancer syndrome; Hereditary breast and ovarian cancer; BRCA1- and BRCA2-Associated Hereditary Breast and Ovarian Cancer; Hereditary breast and/or ovarian cancer syndrome. Identifiers: Orphanet 145, MedGen C0677776, MeSH D061325, MONDO:0003582. Disease mechanism: loss of function.
Hereditary cancer-predisposing syndrome. Also called: Hereditary Cancer Syndrome; Neoplastic Syndromes, Hereditary; Hereditary neoplastic syndrome; Tumor predisposition. Identifiers: Orphanet 140162, MedGen C0027672, MeSH D009386, MONDO:0015356.
Breast-ovarian cancer, familial, susceptibility to, 1 (BROVCA1). Also called: BRCA1 Hereditary Breast and Ovarian Cancer; OVARIAN CANCER, SUSCEPTIBILITY TO. Identifiers: Orphanet 145, MedGen C2676676, MONDO:0011450, OMIM 604370. Disease mechanism: loss of function.

Allele frequency attached by ClinVar (database versions not stated): gnomAD exomes below 0.00001; ExAC 0.00001; gnomAD 0.00001; TOPMed 0.00002.
gnomAD v4.1: 3 of 1,614,040 alleles (0.00019%); highest among the groups gnomAD compares: African/African-American, 0.004%; no homozygotes.

Submissions (7):

Labcorp Genetics (formerly Invitae), Labcorp
Classification: Uncertain significance for Hereditary breast ovarian cancer syndrome. Last evaluated: 2026-01-06. Review status: criteria provided, single submitter. Criteria: Invitae Variant Classification Sherloc (09022015). Collection method: clinical testing. Allele origin: germline.
Comment: This sequence change replaces alanine, which is neutral and non-polar, with threonine, which is neutral and polar, at codon 410 of the BRCA1 protein (p.Ala410Thr). This variant is present in population databases (rs779974365, gnomAD 0.007%). This missense change has been observed in individual(s) with BRCA1-related conditions (PMID: 21520333). ClinVar contains an entry for this variant (Variation ID: 246448). Invitae Evidence Modeling of protein sequence and biophysical properties (such as structural, functional, and spatial information, amino acid conservation, physicochemical variation, residue mobility, and thermodynamic stability) indicates that this missense variant is not expected to disrupt BRCA1 protein function with a negative predictive value of 80%. In summary, the available evidence is currently insufficient to determine the role of this variant in disease. Therefore, it has been classified as a Variant of Uncertain Significance.

Myriad Genetics, Inc.
Classification: Benign for Breast-ovarian cancer, familial, susceptibility to, 1. Last evaluated: 2024-05-20. Review status: criteria provided, single submitter. Criteria: Myriad Autosomal Dominant, Autosomal Recessive and X-Linked Classification Criteria (2023). Collection method: clinical testing. Allele origin: unknown.
Comment: This variant is considered benign. This variant been observed in trans with a known pathogenic variant in one or more individuals. Compound heterozygosity for pathogenic variants in this gene is generally assumed to result in embryonic lethality. This variant is strongly associated with less severe personal and family histories of cancer, typical for individuals without pathogenic variants in this gene [PMID: 25085752].

Ambry Genetics
Classification: Uncertain significance for Hereditary cancer-predisposing syndrome. Last evaluated: 2024-02-25. Review status: criteria provided, single submitter. Criteria: Ambry Variant Classification Scheme 2023. Collection method: clinical testing. Allele origin: germline.
Comment: The p.A410T variant (also known as c.1228G>A), located in coding exon 9 of the BRCA1 gene, results from a G to A substitution at nucleotide position 1228. The alanine at codon 410 is replaced by threonine, an amino acid with similar properties. This amino acid position is not well conserved in available vertebrate species. In addition, the in silico prediction for this alteration is inconclusive. Since supporting evidence is limited at this time, the clinical significance of this alteration remains unclear.

Women's Health and Genetics/Laboratory Corporation of America, LabCorp
Classification: Uncertain significance. Last evaluated: 2024-02-02. Review status: criteria provided, single submitter. Criteria: LabCorp Variant Classification Summary - May 2015. Collection method: clinical testing. Allele origin: germline.
Comment: Variant summary: BRCA1 c.1228G>A (p.Ala410Thr) results in a non-conservative amino acid change located in the BRCA1, serine-rich domain of the encoded protein sequence. Four of five in-silico tools predict a benign effect of the variant on protein function. The variant allele was found at a frequency of 4e-06 in 250802 control chromosomes (gnomAD). The available data on variant occurrences in the general population are insufficient to allow any conclusion about variant significance. To our knowledge, no occurrence of c.1228G>A in individuals affected with Hereditary Breast And Ovarian Cancer Syndrome has been reported. At least one publication reports experimental evidence evaluating an impact on protein function (Bouwman_2020). These results showed no damaging effect of this variant on ability to complement BRCA1-deficient mouse embryonic stem cells in homologous recombination DNA repair (HRR) using cisplatin and olaparib sensitivity assays and a direct GFP HRR assay. The following publication has been ascertained in the context of this evaluation (PMID: 32546644). ClinVar contains an entry for this variant (Variation ID: 246448). Based on the evidence outlined above, the variant was classified as uncertain significance.

University of Washington Department of Laboratory Medicine, University of Washington
Classification: Likely benign for Hereditary cancer-predisposing syndrome. Last evaluated: 2023-03-23. Review status: criteria provided, single submitter. Criteria: Dines et al. (Genet Med. 2020). Collection method: curation. Allele origin: germline.
Comment: Missense variant in a coldspot region where missense variants are very unlikely to be pathogenic (PMID:31911673).

BRCA1 coldspot (exon 11 using historical exon numbering). Reclassification based on statistical prior probability

Quest Diagnostics Nichols Institute San Juan Capistrano
Classification: Uncertain significance. Last evaluated: 2016-12-30. Review status: criteria provided, single submitter. Criteria: Quest Diagnostics criteria. Collection method: clinical testing. Allele origin: germline.

GeneDx
Classification: Uncertain significance. Last evaluated: 2016-02-29. Review status: criteria provided, single submitter. Criteria: GeneDx Variant Classification (06012015). Collection method: clinical testing. Allele origin: germline. Affected: yes.
Comment: This variant is denoted BRCA1 c.1228G>A at the cDNA level, p.Ala410Thr (A410T) at the protein level, and results in the change of an Alanine to a Threonine (GCT>ACT). Using alternate nomenclature, this variant would be defined as BRCA1 c.1347G>A. This variant has not, to our knowledge, been published in the literature as pathogenic or benign. BRCA1 Ala410Thr was not observed in approximately 6,500 individuals of European and African American ancestry in the NHLBI Exome Sequencing Project, suggesting it is not a common benign variant in these populations. Since Alanine and Threonine differ in polarity, charge, size or other properties, this is considered a non-conservative amino acid substitution. BRCA1 Ala410Thr occurs at a position that is not conserved and is located in a binding domain known to interact with multiple proteins (Zhang 1998, Chai 1999, Narod 2004, Harte 2010, Zhong 1999). In silico analyses predict that this variant is unlikely to alter protein structure or function. Based on currently available evidence, it is unclear whether BRCA1 Ala410Thr is a pathogenic or benign variant. We consider it to be a variant of uncertain significance.

Literature cited by the submitters: PubMed 21520333 (cited by Labcorp Genetics (formerly Invitae), Labcorp); PubMed 25085752 (cited by Myriad Genetics, Inc.); PubMed 32546644 (cited by Women's Health and Genetics/Laboratory Corporation of America, LabCorp).

NM_007294.4(BRCA1):c.1228G>A (p.Ala410Thr)

Gene: BRCA1 (BRCA1 DNA repair associated; minus strand). Cytogenetic location: 17q21.31.
Variant type: single nucleotide variant.
Coding change: c.1228G>A on transcript NM_007294.4 (MANE Select); coding-DNA position 1228, G replaced by A.
Protein change: p.Ala410Thr; replaces alanine 410 with threonine.
Molecular consequence: missense variant. On other transcripts: intron variant (137).
Genome position (GRCh38, 1-based): chr17:43,094,303, C>T on the plus strand (G>A on the coding strand, the complement: BRCA1 is on the minus strand). VCF-style: chr17-43094303-C-T. GRCh37 (hg19) VCF-style: chr17-41246320-C-T.
Other names: c.1018G>A, p.Ala340Thr (NM_001407885.1, NM_001407886.1, NM_001407887.1 and 13 more transcripts); c.1015G>A, p.Ala339Thr (NM_001407894.1, NM_001407915.1, NM_001407916.1 and 9 more transcripts); c.1105G>A, p.Ala369Thr (NM_001407919.1, NM_001407937.1, NM_001407938.1 and 19 more transcripts); c.964G>A, p.Ala322Thr (NM_001407920.1, NM_001407933.1, NM_001407935.1 and 9 more transcripts); c.961G>A, p.Ala321Thr (NM_001407931.1, NM_001407932.1, NM_001407934.1 and 2 more transcripts); c.895G>A, p.Ala299Thr (NM_001407950.1, NM_001407951.1, NM_001407952.1 and 6 more transcripts); c.892G>A, p.Ala298Thr (NM_001407954.1, NM_001407955.1, NM_001407956.1 and 1 more transcripts); c.1087G>A, p.Ala363Thr (NM_007297.4, NM_001407695.1, NM_001407696.1 and 29 more transcripts); and 40 more; short protein forms A410T, A363T, A298T, A299T, A340T, A342T, A368T, A114T.
Identifiers: ClinVar variation 246448 (VCV000246448.25), dbSNP rs779974365, ClinGen allele CA057104.